The following is an entry in ClinVar:

NM_020778.5(ALPK3):c.2597C>T (p.Thr866Met)

Gene: ALPK3 (alpha kinase 3; plus strand). Cytogenetic location: 15q25.3.
Variant type: single nucleotide variant.
Coding change: c.2597C>T on transcript NM_020778.5 (MANE Select); coding-DNA position 2597, C replaced by T.
Protein change: p.Thr866Met; replaces threonine 866 with methionine.
Molecular consequence: missense variant.
Genome position (GRCh38, 1-based): chr15:84,857,335, C>T. VCF-style: chr15-84857335-C-T. GRCh37 (hg19) VCF-style: chr15-85400566-C-T.
Other names: p.Thr1068Met; short protein forms T1068M, T866M.
Identifiers: ClinVar variation 506582 (VCV000506582.23), dbSNP rs35292668, ClinGen allele CA7709453.
Genomic context (GRCh38, chr15:84,857,335, plus strand): 5'-GAGTGCCGTGTATGGATCAGGGTGGCTGTCCTCTAGCTGGCCTGAGCCAGGAGGTACCCA[C>T]GATGCCTTCTCTTCCTGGAACTGGGCTGACAGCTAGCCCAAAGGCGGGGCCGTGTAGCAC-3'
Protein context (NP_065829.4, residues 856-876): PLAGLSQEVP[Thr866Met]MPSLPGTGLT

ClinVar aggregate classification (germline): Benign/Likely benign. Review status: criteria provided, multiple submitters, no conflicts (2 of 4 stars). 12 submissions from 12 submitters: Benign (6); Likely benign (3). 3 of the submissions do not count toward it. Last evaluated 2026-02-04.

Conditions:
ALPK3-related disorder. Also called: ALPK3-related condition.
Cardiomyopathy, familial hypertrophic 27. Identifiers: MedGen C4748014, MONDO:0054838, OMIM 618052.
Cardiovascular phenotype. Identifiers: MedGen CN230736.

Allele frequency attached by ClinVar (database versions not stated): gnomAD exomes 0.00053 and 0.00116; ExAC 0.00143; gnomAD 0.00358 and 0.00380; TOPMed 0.00377; ESP Exome Variant Server 0.00469; 1000 Genomes Project 0.00479; 1000 Genomes Project 30x 0.00593.
gnomAD v4.1: 1,361 of 1,614,166 alleles (0.084%); highest among the groups gnomAD compares: African/African-American, 1.3%; 10 homozygotes.

Submissions (12):

Labcorp Genetics (formerly Invitae), Labcorp
Classification: Benign. Last evaluated: 2026-02-04. Review status: criteria provided, single submitter. Criteria: Invitae Variant Classification Sherloc (09022015). Collection method: clinical testing. Allele origin: germline.

Molecular Diagnostic Laboratory for Inherited Cardiovascular Disease, Montreal Heart Institute
Classification: Likely benign. Last evaluated: 2025-04-09. Review status: criteria provided, single submitter. Criteria: ACMG Guidelines, 2015. Collection method: clinical testing. Allele origin: germline. Affected: no.

ARUP Laboratories, Molecular Genetics and Genomics, ARUP Laboratories
Classification: Likely benign for Cardiomyopathy, familial hypertrophic 27. Last evaluated: 2025-03-21. Review status: criteria provided, single submitter. Criteria: ARUP Molecular Germline Variant Investigation Process 2024. Collection method: clinical testing. Allele origin: germline.

Blueprint Genetics
Classification: Likely benign. Last evaluated: 2024-11-26. Review status: criteria provided, single submitter. Criteria: ACMG Guidelines, 2015. Collection method: clinical testing. Allele origin: germline.

Mayo Clinic Laboratories, Mayo Clinic
Classification: Benign. Last evaluated: 2024-06-05. Review status: criteria provided, single submitter. Criteria: ACMG Guidelines, 2015. Collection method: clinical testing. Allele origin: germline. Observed: 6 variant alleles.
Comment: BS1, BS2, BP4

Women's Health and Genetics/Laboratory Corporation of America, LabCorp
Classification: Benign. Last evaluated: 2023-04-21. Review status: criteria provided, single submitter. Criteria: LabCorp Variant Classification Summary - May 2015. Collection method: clinical testing. Allele origin: germline.
Comment: Variant summary: ALPK3 c.2597C>T (p.Thr866Met) results in a non-conservative amino acid change in the encoded protein sequence. Three of four in-silico tools predict a benign effect of the variant on protein function. The variant allele was found at a frequency of 0.0012 in 251058 control chromosomes, predominantly at a frequency of 0.013 within the African or African-American subpopulation in the gnomAD database, including 2 homozygotes. The observed variant frequency within African or African-American control individuals in the gnomAD database is approximately 2 fold of the estimated maximal expected allele frequency for a pathogenic variant in ALPK3 causing Cardiomyopathy phenotype (0.0071), strongly suggesting that the variant is a benign polymorphism found primarily in populations of African or African-American origin. Three clinical diagnostic laboratories have submitted clinical-significance assessments for this variant to ClinVar after 2014 and all classified the variant as benign. Based on the evidence outlined above, the variant was classified as benign.

Ambry Genetics
Classification: Benign for Cardiovascular phenotype. Last evaluated: 2018-12-24. Review status: criteria provided, single submitter. Criteria: Ambry Variant Classification Scheme 2023. Collection method: clinical testing. Allele origin: germline.

GeneDx
Classification: Benign. Last evaluated: 2018-07-13. Review status: criteria provided, single submitter. Criteria: GeneDx Variant Classification Process June 2021. Collection method: clinical testing. Allele origin: germline. Affected: yes.

Breakthrough Genomics
Classification: Benign. Review status: criteria provided, single submitter. Criteria: ACMG Guidelines, 2015. Collection method: not provided. Allele origin: germline. Inheritance: Autosomal recessive inheritance. Affected: yes.

PreventionGenetics, part of Exact Sciences
Classification: Benign for ALPK3-related condition. Last evaluated: 2019-02-21. Review status: no assertion criteria provided. Collection method: clinical testing. Allele origin: germline. Not counted in ClinVar's aggregate classification.
Comment: This variant is classified as benign based on ACMG/AMP sequence variant interpretation guidelines (Richards et al. 2015 PMID: 25741868, with internal and published modifications).

Clinical Genetics DNA and cytogenetics Diagnostics Lab, Erasmus MC, Erasmus Medical Center
Classification: Benign. Review status: no assertion criteria provided. Collection method: clinical testing. Allele origin: germline. Affected: yes. Study: VKGL Data-share Consensus. Not counted in ClinVar's aggregate classification.

Clinical Genetics, Academic Medical Center
Classification: Benign. Review status: no assertion criteria provided. Collection method: clinical testing. Allele origin: germline. Affected: yes. Study: VKGL Data-share Consensus. Not counted in ClinVar's aggregate classification.